The following is an entry in ClinVar:

NM_001370466.1(NOD2):c.2133G>C (p.Gly711=)

Gene: NOD2 (nucleotide binding oligomerization domain containing 2; plus strand). Cytogenetic location: 16q12.1.
Variant type: single nucleotide variant.
Coding change: c.2133G>C on transcript NM_001370466.1 (MANE Select); coding-DNA position 2133, G replaced by C.
Protein change: p.Gly711=; no amino-acid change (glycine 711 retained).
Molecular consequence: synonymous variant. On other transcripts: non-coding transcript variant (1).
Genome position (GRCh38, 1-based): chr16:50,712,125, G>C. VCF-style: chr16-50712125-G-C. GRCh37 (hg19) VCF-style: chr16-50746036-G-C.
Other names: c.2133G>C, p.Gly711= (NM_001293557.2); c.2214G>C, p.Gly738= (NM_022162.3).
Identifiers: ClinVar variation 1120898 (VCV001120898.28), dbSNP rs143963486, ClinGen allele CA8051725.

ClinVar aggregate classification (germline): Likely benign. Review status: criteria provided, multiple submitters, no conflicts (2 of 4 stars). 3 submissions from 3 submitters: Likely benign (3). Last evaluated 2024-06-01.

Conditions:
Blau syndrome (BLAUS). Also called: ARTHROCUTANEOUVEAL GRANULOMATOSIS; GRANULOMATOSIS, FAMILIAL JUVENILE SYSTEMIC; GRANULOMATOSIS, FAMILIAL, BLAU TYPE; GRANULOMATOUS INFLAMMATORY ARTHRITIS, DERMATITIS, AND UVEITIS, FAMILIAL; JABS SYNDROME. Identifiers: Orphanet 90340, MedGen C5201146, MONDO:0008523, OMIM 186580.
Regional enteritis. Also called: Enteritis, Granulomatous. Identifiers: MedGen C0678202, MeSH D003424.

Allele frequency attached by ClinVar (database versions not stated): ExAC 0.00001; TOPMed 0.00001; gnomAD 0.00002; gnomAD exomes 0.00002; ESP Exome Variant Server 0.00015.
gnomAD v4.1: 32 of 1,613,968 alleles (0.002%); highest among the groups gnomAD compares: Non-Finnish European, 0.0025%; no homozygotes.

Submissions (3):

CeGaT Center for Human Genetics Tuebingen
Classification: Likely benign. Last evaluated: 2024-06-01. Review status: criteria provided, single submitter. Criteria: CeGaT Center For Human Genetics Tuebingen Variant Classification Criteria Version 2. Collection method: clinical testing. Allele origin: germline. Affected: yes. Observed: 1 variant allele.
Comment: NOD2: BP4, BP7

Blueprint Genetics
Classification: Likely benign. Last evaluated: 2021-07-21. Review status: criteria provided, single submitter. Criteria: ACMG Guidelines, 2015. Collection method: clinical testing. Allele origin: germline.

Labcorp Genetics (formerly Invitae), Labcorp
Classification: Likely benign for Regional enteritis; Blau syndrome. Last evaluated: 2021-06-25. Review status: criteria provided, single submitter. Criteria: Invitae Variant Classification Sherloc (09022015). Collection method: clinical testing. Allele origin: germline.